The following is an entry in ClinVar:

ClinVar aggregate classification (germline): Pathogenic. Review status: criteria provided, single submitter (1 of 4 stars). 2 submissions from 2 submitters: Pathogenic (1). 1 of the submissions does not count toward it. Last evaluated 2024-11-06.

Conditions:
Tuberous sclerosis syndrome (TSC). Also called: Tuberous Sclerosis Complex; Tuberous sclerosis. Identifiers: Orphanet 805, MedGen C0041341, MONDO:0001734.
Tuberous sclerosis 2 (TSC2). Identifiers: Orphanet 805, MedGen C1860707, MONDO:0013199, OMIM 613254.

Submissions (2):

Labcorp Genetics (formerly Invitae), Labcorp
Classification: Pathogenic for Tuberous sclerosis 2. Last evaluated: 2024-11-06. Review status: criteria provided, single submitter. Criteria: Invitae Variant Classification Sherloc (09022015). Collection method: clinical testing. Allele origin: germline.
Comment: This sequence change affects a donor splice site in intron 3 of the TSC2 gene. It is expected to disrupt RNA splicing. Variants that disrupt the donor or acceptor splice site typically lead to a loss of protein function (PMID: 16199547), and loss-of-function variants in TSC2 are known to be pathogenic (PMID: 10205261, 17304050). This variant is not present in population databases (gnomAD no frequency). Disruption of this splice site has been observed in individual(s) with tuberous sclerosis complex (PMID: 25927202). In at least one individual the variant was observed to be de novo. ClinVar contains an entry for this variant (Variation ID: 65138). Algorithms developed to predict the effect of sequence changes on RNA splicing suggest that this variant may disrupt the consensus splice site. For these reasons, this variant has been classified as Pathogenic.

Tuberous sclerosis database (TSC2)
No classification provided. Condition: TSC. Review status: no classification provided. Criteria: Tuberous Sclerosis Database Assertion Criteria 2015. Collection method: curation. Allele origin: germline. Affected: yes. Not counted in ClinVar's aggregate classification.

Literature cited by the submitters: PubMed 16199547 (cited by Labcorp Genetics (formerly Invitae), Labcorp); PubMed 10205261 (cited by Labcorp Genetics (formerly Invitae), Labcorp); PubMed 17304050 (cited by Labcorp Genetics (formerly Invitae), Labcorp); PubMed 25927202 (cited by Labcorp Genetics (formerly Invitae), Labcorp).

NM_000548.5(TSC2):c.225+2T>A

Gene: TSC2 (TSC complex subunit 2; plus strand). Cytogenetic location: 16p13.3.
Variant type: single nucleotide variant.
Coding change: c.225+2T>A on transcript NM_000548.5 (MANE Select); the canonical splice donor site of the intron after coding-DNA position 225, T replaced by A.
Molecular consequence: splice donor variant.
Genome position (GRCh38, 1-based): chr16:2,050,488, T>A. VCF-style: chr16-2050488-T-A. GRCh37 (hg19) VCF-style: chr16-2100489-T-A.
Other names: c.-1513+2T>A (NM_001406693.1); c.225+2T>A (NM_001406667.1, NM_001406668.1, NM_001114382.3 and 13 more transcripts); c.-592+2T>A (NM_001406680.1, NM_001406683.1, NM_001406687.1); c.-1207+2T>A (NM_001406689.1, NM_001406690.1, NM_001406692.1 and 2 more transcripts); c.78+2T>A (NM_001406675.1, NM_001406676.1, NM_001318829.2 and 2 more transcripts); c.-2+2T>A (NM_001406686.1, NM_001406682.1, NM_001406684.1 and 3 more transcripts); c.258+2T>A (NM_001318832.2); c.-1383+2T>A (NM_001406698.1); and 3 more.
Identifiers: ClinVar variation 65138 (VCV000065138.4), dbSNP rs397515105, ClinGen allele CA017093.